The following is an entry in ClinVar:

ClinVar aggregate classification (germline): Uncertain significance (1 of 4 stars; one submission).

Conditions:
Severe combined immunodeficiency, autosomal recessive, T cell-negative, B cell-negative, NK cell-positive. Also called: SCID, AR, T-cell negative, B-cell negative, NK cell-positive; SCID, T CELL-NEGATIVE, B CELL-NEGATIVE, NK CELL-POSITIVE; Severe combined immunodeficiency due to complete RAG1/2 deficiency. Identifiers: Orphanet 331206, MedGen C1832322, MONDO:0011086, OMIM 601457.
Combined immunodeficiency with skin granulomas. Identifiers: Orphanet 157949, MedGen C2673536, MONDO:0009306, OMIM 233650.

Allele frequency attached by ClinVar (database versions not stated): gnomAD exomes below 0.00001.
gnomAD v4.1: 1 of 1,614,182 alleles (0.000062%); highest among the groups gnomAD compares: Non-Finnish European, 0.000085%; no homozygotes.

Submission:

Labcorp Genetics (formerly Invitae), Labcorp
Classification: Uncertain significance for Combined immunodeficiency with skin granulomas; Severe combined immunodeficiency, autosomal recessive, T cell-negative, B cell-negative, NK cell-positive. Last evaluated: 2023-10-13. Review status: criteria provided, single submitter. Criteria: Invitae Variant Classification Sherloc (09022015). Collection method: clinical testing. Allele origin: germline.
Comment: This sequence change replaces cysteine, which is neutral and slightly polar, with serine, which is neutral and polar, at codon 296 of the RAG1 protein (p.Cys296Ser). This variant is not present in population databases (gnomAD no frequency). This variant has not been reported in the literature in individuals affected with RAG1-related conditions. ClinVar contains an entry for this variant (Variation ID: 1371418). Advanced modeling of protein sequence and biophysical properties (such as structural, functional, and spatial information, amino acid conservation, physicochemical variation, residue mobility, and thermodynamic stability) has been performed at Invitae for this missense variant, however the output from this modeling did not meet the statistical confidence thresholds required to predict the impact of this variant on RAG1 protein function. In summary, the available evidence is currently insufficient to determine the role of this variant in disease. Therefore, it has been classified as a Variant of Uncertain Significance.

NM_000448.3(RAG1):c.887G>C (p.Cys296Ser)

Gene: RAG1 (recombination activating 1; plus strand). Cytogenetic location: 11p12.
Variant type: single nucleotide variant.
Coding change: c.887G>C on transcript NM_000448.3 (MANE Select); coding-DNA position 887, G replaced by C.
Protein change: p.Cys296Ser; replaces cysteine 296 with serine.
Molecular consequence: missense variant.
Genome position (GRCh38, 1-based): chr11:36,574,191, G>C. VCF-style: chr11-36574191-G-C. GRCh37 (hg19) VCF-style: chr11-36595741-G-C.
Other names: c.887G>C, p.Cys296Ser (NM_001377277.1, NM_001377278.1, NM_001377279.1 and 1 more transcripts); short protein forms C296S.
Identifiers: ClinVar variation 1371418 (VCV001371418.8), dbSNP rs2133294646, ClinGen allele CA380150355.